The following is an entry in ClinVar:

ClinVar aggregate classification (germline): Likely benign. Review status: criteria provided, multiple submitters, no conflicts (2 of 4 stars). 2 submissions from 2 submitters: Likely benign (2). Last evaluated 2026-07-07.

Conditions:
Rhabdoid tumor predisposition syndrome 2 (RTPS2). Identifiers: Orphanet 231108, Orphanet 69077, MedGen C2750074, MONDO:0013224, OMIM 613325.

gnomAD v4.1: 16 of 1,613,856 alleles (0.00099%); highest among the groups gnomAD compares: Admixed American, 0.012%; no homozygotes.

Submissions (2):

Myriad Genetics, Inc.
Classification: Likely benign for Rhabdoid tumor predisposition syndrome 2. Last evaluated: 2026-07-07. Review status: criteria provided, single submitter. Criteria: Myriad Autosomal Dominant, Autosomal Recessive and X-Linked Classification Criteria (2023). Collection method: clinical testing. Allele origin: unknown.
Comment: This variant is considered likely benign. This variant is intronic and is not expected to impact mRNA splicing.

Labcorp Genetics (formerly Invitae), Labcorp
Classification: Likely benign for Rhabdoid tumor predisposition syndrome 2. Last evaluated: 2025-11-13. Review status: criteria provided, single submitter. Criteria: Invitae Variant Classification Sherloc (09022015). Collection method: clinical testing. Allele origin: germline.

NM_003072.5(SMARCA4):c.2275-17C>T

Gene: SMARCA4 (SWI/SNF related BAF chromatin remodeling complex subunit ATPase 4; plus strand). Cytogenetic location: 19p13.2.
Variant type: single nucleotide variant.
Coding change: c.2275-17C>T on transcript NM_003072.5 (MANE Select); 17 bases into the intron before coding-DNA position 2275, C replaced by T.
Molecular consequence: intron variant.
Genome position (GRCh38, 1-based): chr19:11,012,932, C>T. VCF-style: chr19-11012932-C-T. GRCh37 (hg19) VCF-style: chr19-11123608-C-T.
Other names: c.2275-17C>T (NM_001128844.3, NM_001128849.3, NM_001128847.4 and 5 more transcripts).
Identifiers: ClinVar variation 1588635 (VCV001588635.9), dbSNP rs201752124, ClinGen allele CA9204067.
Genomic context (GRCh38, chr19:11,012,932, plus strand): 5'-TGACTCTCTGAAGTGGGAGGACCCTCTGGTGTCCGACCCGGCCTTCAGTCCTGGCGTGGC[C>T]GCATCTGTCCTTGCAGATCAAAGGTTTGGAGTGGCTGGTGTCCCTGTACAACAACAACCT-3'